The following is an entry in ClinVar:

ClinVar aggregate classification (germline): Uncertain significance. Review status: criteria provided, multiple submitters, no conflicts (2 of 4 stars). 3 submissions from 3 submitters: Uncertain significance (3). Last evaluated 2024-02-05.

Conditions:
Malignant hyperthermia, susceptibility to, 1 (MHS1). Also called: RYR1-Related Malignant Hyperthermia Susceptibility; Malignant hyperthermia suceptibility 1; Anesthesia related hyperthermia; Malignant hyperpyrexia; Fulminating hyperpyrexia; Pharmacogenic myopathy. Identifiers: Orphanet 423, MedGen C2930980, MONDO:0007783, OMIM 145600.
RYR1-related disorder. Also called: RYR1-related disorders; RYR1-related condition. Identifiers: MedGen CN239331.

Allele frequency attached by ClinVar (database versions not stated): TOPMed below 0.00001.
gnomAD v4.1: 7 of 1,614,128 alleles (0.00043%); highest among the groups gnomAD compares: East Asian, 0.0022%; no homozygotes.

Submissions (3):

All of Us Research Program, National Institutes of Health
Classification: Uncertain significance for Malignant hyperthermia, susceptibility to, 1. Last evaluated: 2024-02-05. Review status: criteria provided, single submitter. Criteria: ACMG Guidelines, 2015. Collection method: clinical testing. Allele origin: germline. Inheritance: Autosomal dominant inheritance. Observed: 2 variant alleles, 2 heterozygotes.
Comment: This missense variant replaces serine with leucine at codon 2164 of the RYR1 protein. Computational prediction suggests that this variant may have deleterious impact on protein structure and function (internally defined REVEL score threshold >= 0.7, PMID: 27666373). To our knowledge, functional studies have not been reported for this variant. This variant has not been reported in individuals affected with RYR1-related disorders in the literature. This variant has not been identified in the general population by the Genome Aggregation Database (gnomAD). The available evidence is insufficient to determine the role of this variant in disease conclusively. Therefore, this variant is classified as a Variant of Uncertain Significance.

This study involves interpretation of variants in research participants for the purpose of population health screening. Participant phenotype was not available at the time of variant classification. Additional details can be found in publication PMID: 35346344, PMCID: PMC8962531

PreventionGenetics, part of Exact Sciences
Classification: Uncertain significance for RYR1-related condition. Last evaluated: 2023-04-06. Review status: criteria provided, single submitter. Criteria: ACMG Guidelines, 2015. Collection method: clinical testing. Allele origin: germline.
Comment: The RYR1 c.6491C>T variant is predicted to result in the amino acid substitution p.Ser2164Leu. To our knowledge, this variant has not been reported in the literature or in a large population database, indicating this variant is rare. At this time, the clinical significance of this variant is uncertain due to the absence of conclusive functional and genetic evidence.

Labcorp Genetics (formerly Invitae), Labcorp
Classification: Uncertain significance for RYR1-related disorder. Last evaluated: 2021-09-02. Review status: criteria provided, single submitter. Criteria: Invitae Variant Classification Sherloc (09022015). Collection method: clinical testing. Allele origin: germline.
Comment: This sequence change replaces serine with leucine at codon 2164 of the RYR1 protein (p.Ser2164Leu). The serine residue is highly conserved and there is a large physicochemical difference between serine and leucine. This variant is not present in population databases (ExAC no frequency). This variant has not been reported in the literature in individuals affected with RYR1-related conditions. Algorithms developed to predict the effect of missense changes on protein structure and function are either unavailable or do not agree on the potential impact of this missense change (SIFT: "Deleterious"; PolyPhen-2: "Benign"; Align-GVGD: "Class C0"). In summary, the available evidence is currently insufficient to determine the role of this variant in disease. Therefore, it has been classified as a Variant of Uncertain Significance.

NM_000540.3(RYR1):c.6491C>T (p.Ser2164Leu)

Gene: RYR1 (ryanodine receptor 1; plus strand). Cytogenetic location: 19q13.2.
Variant type: single nucleotide variant.
Coding change: c.6491C>T on transcript NM_000540.3 (MANE Select); coding-DNA position 6491, C replaced by T.
Protein change: p.Ser2164Leu; replaces serine 2164 with leucine.
Molecular consequence: missense variant.
Genome position (GRCh38, 1-based): chr19:38,494,568, C>T. VCF-style: chr19-38494568-C-T. GRCh37 (hg19) VCF-style: chr19-38985208-C-T.
Other names: c.6491C>T (NM_000540.2); c.6491C>T, p.Ser2164Leu (NM_001042723.2); short protein forms S2164L.
Identifiers: ClinVar variation 1022537 (VCV001022537.7), dbSNP rs1473972613, ClinGen allele CA405664307.